The following is an entry in ClinVar:

NM_003924.4(PHOX2B):c.760G>A (p.Ala254Thr)

Genes: PHOX2B (paired like homeobox 2B; minus strand), LOC110011216 (paired like homeobox 2b polyalanine repeat instability region; plus strand). Cytogenetic location: 4p13.
Variant type: single nucleotide variant.
Coding change: c.760G>A on transcript NM_003924.4 (MANE Select); coding-DNA position 760, G replaced by A.
Protein change: p.Ala254Thr; replaces alanine 254 with threonine.
Molecular consequence: missense variant.
Genome position (GRCh38, 1-based): chr4:41,745,992, C>T on the plus strand (G>A on the coding strand, the complement: PHOX2B is on the minus strand). VCF-style: chr4-41745992-C-T. GRCh37 (hg19) VCF-style: chr4-41748009-C-T.
Other names: p.Ala254Thr; short protein forms A254T.
Identifiers: ClinVar variation 239594 (VCV000239594.22), dbSNP rs766767855, ClinGen allele CA2901440.

ClinVar aggregate classification (germline): Conflicting classifications of pathogenicity. Review status: criteria provided, conflicting classifications (1 of 4 stars). 8 submissions from 7 submitters: Uncertain significance (6); Likely benign (1). 1 of the submissions does not count toward it. Last evaluated 2025-11-17.

Conditions:
PHOX2B-related disorder. Also called: PHOX2B-related condition.
Hereditary cancer-predisposing syndrome. Also called: Tumor predisposition; Hereditary neoplastic syndrome; Neoplastic Syndromes, Hereditary; Hereditary Cancer Syndrome. Identifiers: Orphanet 140162, MedGen C0027672, MeSH D009386, MONDO:0015356.
Haddad syndrome (OHD). Also called: Ondine-Hirschsprung disease. Identifiers: Orphanet 99803, MedGen C1859049, MONDO:0020493.
Neuroblastoma, susceptibility to, 2. Identifiers: Orphanet 635, MedGen C2751682, MONDO:0700041, OMIM 613013.
Congenital central hypoventilation. Also called: Congenital Central Hypoventilation Syndrome. Identifiers: Orphanet 661, Orphanet 99803, MedGen C1275808, MONDO:0800031. Disease mechanism: gain of function.

Allele frequency attached by ClinVar (database versions not stated): ExAC below 0.00001; TOPMed 0.00013; gnomAD 0.00014 and 0.00017; gnomAD exomes 0.00015 and 0.00024.
gnomAD v4.1: 273 of 1,210,394 alleles (0.023%); highest among the groups gnomAD compares: Non-Finnish European, 0.025%; no homozygotes.

Submissions (8):

Labcorp Genetics (formerly Invitae), Labcorp
Classification: Uncertain significance for Haddad syndrome. Last evaluated: 2025-11-17. Review status: criteria provided, single submitter. Criteria: Invitae Variant Classification Sherloc (09022015). Collection method: clinical testing. Allele origin: germline.
Comment: This sequence change replaces alanine, which is neutral and non-polar, with threonine, which is neutral and polar, at codon 254 of the PHOX2B protein (p.Ala254Thr). The frequency data for this variant in the population databases is considered unreliable, as metrics indicate poor data quality at this position in the gnomAD database. This variant has not been reported in the literature in individuals affected with PHOX2B-related conditions. ClinVar contains an entry for this variant (Variation ID: 239594). Experimental studies and prediction algorithms are not available or were not evaluated, and the functional significance of this variant is currently unknown. In summary, the available evidence is currently insufficient to determine the role of this variant in disease. Therefore, it has been classified as a Variant of Uncertain Significance.

Mayo Clinic Laboratories, Mayo Clinic
Classification: Likely benign. Last evaluated: 2025-07-23. Review status: criteria provided, single submitter. Criteria: ACMG Guidelines, 2015. Collection method: clinical testing. Allele origin: germline. Observed: 1 variant allele.
Comment: BS1, BP4

St. Jude Molecular Pathology, St. Jude Children's Research Hospital
Classification: Uncertain significance for Neuroblastoma, susceptibility to, 2. Last evaluated: 2023-08-30. Review status: criteria provided, single submitter. Criteria: St. Jude Assertion Criteria 2020. Collection method: clinical testing. Allele origin: germline.
Comment: The PHOX2B c.760G>A (p.Ala254Thr) missense change has a maximum frequency of 0.053% in gnomAD v2.1.1. The in silico tool REVEL predicts a benign effect on protein function, but this prediction has not been confirmed by functional studies. This variant has not been reported in individuals with PHOX2B-related disease. In summary, the evidence currently available is insufficient to determine the clinical significance of this variant. It has therefore been classified as of uncertain significance.

GeneDx
Classification: Uncertain significance. Last evaluated: 2022-09-19. Review status: criteria provided, single submitter. Criteria: GeneDx Variant Classification Process June 2021. Collection method: clinical testing. Allele origin: germline. Affected: yes.
Comment: In silico analysis supports that this missense variant does not alter protein structure/function; Has not been previously published as pathogenic or benign to our knowledge

Ambry Genetics
Classification: Uncertain significance for Hereditary cancer-predisposing syndrome. Last evaluated: 2022-05-26. Review status: criteria provided, single submitter. Criteria: Ambry Variant Classification Scheme 2023. Collection method: clinical testing. Allele origin: germline.

Illumina Laboratory Services, Illumina
Classification: Uncertain significance for Central hypoventilation syndrome, congenital, 1, with or without Hirschsprung disease. Last evaluated: 2017-04-28. Review status: criteria provided, single submitter. Criteria: ICSL Variant Classification Criteria 13 December 2019. Collection method: clinical testing. Allele origin: germline.

Illumina Laboratory Services, Illumina
Classification: Uncertain significance for Neuroblastoma, susceptibility to, 2. Last evaluated: 2017-04-28. Review status: criteria provided, single submitter. Criteria: ICSL Variant Classification Criteria 13 December 2019. Collection method: clinical testing. Allele origin: germline.

PreventionGenetics, part of Exact Sciences
Classification: Uncertain significance for PHOX2B-related condition. Last evaluated: 2024-08-05. Review status: no assertion criteria provided. Collection method: clinical testing. Allele origin: germline. Not counted in ClinVar's aggregate classification.
Comment: The PHOX2B c.760G>A variant is predicted to result in the amino acid substitution p.Ala254Thr. To our knowledge, this variant has not been reported in the literature. This variant is reported in 0.053% of alleles in individuals of European (Non-Finnish) descent in gnomAD and is interpreted as uncertain in ClinVar. Although we suspect that this variant may be benign, at this time, the clinical significance of this variant is uncertain due to the absence of conclusive functional and genetic evidence.